The following is an entry in ClinVar:

NM_014285.7(EXOSC2):c.440C>T (p.Ala147Val)

Gene: EXOSC2 (exosome component 2; plus strand). Cytogenetic location: 9q34.12.
Variant type: single nucleotide variant.
Coding change: c.440C>T on transcript NM_014285.7 (MANE Select); coding-DNA position 440, C replaced by T.
Protein change: p.Ala147Val; replaces alanine 147 with valine.
Molecular consequence: missense variant. On other transcripts: intron variant (1).
Genome position (GRCh38, 1-based): chr9:130,700,880, C>T. VCF-style: chr9-130700880-C-T. GRCh37 (hg19) VCF-style: chr9-133576267-C-T.
Other names: c.350C>T, p.Ala117Val (NM_001282709.1); c.427-1263C>T (NM_001282708.1); short protein forms A147V, A117V.
Identifiers: ClinVar variation 1921112 (VCV001921112.5), dbSNP rs1447826836, ClinGen allele CA375247659.

ClinVar aggregate classification (germline): Uncertain significance (1 of 4 stars; one submission).

Allele frequency attached by ClinVar (database versions not stated): gnomAD 0.00001; gnomAD exomes 0.00001; TOPMed 0.00001.
gnomAD v4.1: 10 of 1,613,928 alleles (0.00062%); highest among the groups gnomAD compares: Middle Eastern, 0.016%; no homozygotes.

Submission:

Labcorp Genetics (formerly Invitae), Labcorp
Classification: Uncertain significance. Last evaluated: 2022-01-15. Review status: criteria provided, single submitter. Criteria: Invitae Variant Classification Sherloc (09022015). Collection method: clinical testing. Allele origin: germline.
Comment: In summary, the available evidence is currently insufficient to determine the role of this variant in disease. Therefore, it has been classified as a Variant of Uncertain Significance. Algorithms developed to predict the effect of sequence changes on RNA splicing suggest that this variant may create or strengthen a splice site. Algorithms developed to predict the effect of missense changes on protein structure and function (SIFT, PolyPhen-2, Align-GVGD) all suggest that this variant is likely to be tolerated. This variant has not been reported in the literature in individuals affected with EXOSC2-related conditions. This variant is present in population databases (no rsID available, gnomAD 0.0009%). This sequence change replaces alanine, which is neutral and non-polar, with valine, which is neutral and non-polar, at codon 147 of the EXOSC2 protein (p.Ala147Val).